The following is an entry in ClinVar:

ClinVar aggregate classification (germline): Uncertain significance. Review status: criteria provided, multiple submitters, no conflicts (2 of 4 stars). 2 submissions from 2 submitters: Uncertain significance (2). Last evaluated 2023-08-30.

Conditions:
Hereditary cancer-predisposing syndrome. Also called: Tumor predisposition; Neoplastic Syndromes, Hereditary; Hereditary Cancer Syndrome; Hereditary neoplastic syndrome. Identifiers: Orphanet 140162, MedGen C0027672, MeSH D009386, MONDO:0015356.

Submissions (2):

Ambry Genetics
Classification: Uncertain significance for Hereditary cancer-predisposing syndrome. Last evaluated: 2023-08-30. Review status: criteria provided, single submitter. Criteria: Ambry Variant Classification Scheme 2023. Collection method: clinical testing. Allele origin: germline.
Comment: The p.S297C variant (also known as c.889A>T), located in coding exon 6 of the CTNNA1 gene, results from an A to T substitution at nucleotide position 889. The serine at codon 297 is replaced by cysteine, an amino acid with dissimilar properties. This amino acid position is conserved. In addition, this alteration is predicted to be tolerated by in silico analysis. Since supporting evidence is limited at this time, the clinical significance of this alteration remains unclear.

Blueprint Genetics
Classification: Uncertain significance. Last evaluated: 2022-10-17. Review status: criteria provided, single submitter. Criteria: ACMG Guidelines, 2015. Collection method: clinical testing. Allele origin: germline.

NM_001903.5(CTNNA1):c.889A>T (p.Ser297Cys)

Gene: CTNNA1 (catenin alpha 1; plus strand). Cytogenetic location: 5q31.2.
Variant type: single nucleotide variant.
Coding change: c.889A>T on transcript NM_001903.5 (MANE Select); coding-DNA position 889, A replaced by T.
Protein change: p.Ser297Cys; replaces serine 297 with cysteine.
Molecular consequence: missense variant.
Genome position (GRCh38, 1-based): chr5:138,827,545, A>T. VCF-style: chr5-138827545-A-T. GRCh37 (hg19) VCF-style: chr5-138163234-A-T.
Other names: c.889A>T, p.Ser297Cys (NM_001290307.3, NM_001323982.2, NM_001323983.1 and 3 more transcripts); c.580A>T, p.Ser194Cys (NM_001290309.3); c.520A>T, p.Ser174Cys (NM_001290310.3); short protein forms S194C, S297C, S174C.
Identifiers: ClinVar variation 2625486 (VCV002625486.3), dbSNP rs2532446285, ClinGen allele CA361130729.